The following is an entry in ClinVar:

ClinVar aggregate classification (germline): Uncertain significance. Review status: criteria provided, multiple submitters, no conflicts (2 of 4 stars). 2 submissions from 2 submitters: Uncertain significance (2). Last evaluated 2024-05-30.

Allele frequency attached by ClinVar (database versions not stated): gnomAD exomes below 0.00001.
gnomAD v4.1: 1 of 1,557,992 alleles (0.000064%); highest among the groups gnomAD compares: Non-Finnish European, 0.000086%; no homozygotes.

Submissions (2):

Mayo Clinic Laboratories, Mayo Clinic
Classification: Uncertain significance. Last evaluated: 2024-05-30. Review status: criteria provided, single submitter. Criteria: ACMG Guidelines, 2015. Collection method: clinical testing. Allele origin: germline. Observed: 1 variant allele.
Comment: BP4

Labcorp Genetics (formerly Invitae), Labcorp
Classification: Uncertain significance. Last evaluated: 2024-04-30. Review status: criteria provided, single submitter. Criteria: Invitae Variant Classification Sherloc (09022015). Collection method: clinical testing. Allele origin: germline.
Comment: This sequence change replaces glycine, which is neutral and non-polar, with arginine, which is basic and polar, at codon 24 of the UCHL1 protein (p.Gly24Arg). This variant is not present in population databases (gnomAD no frequency). This variant has not been reported in the literature in individuals affected with UCHL1-related conditions. An algorithm developed to predict the effect of missense changes on protein structure and function (PolyPhen-2) suggests that this variant is likely to be disruptive. In summary, the available evidence is currently insufficient to determine the role of this variant in disease. Therefore, it has been classified as a Variant of Uncertain Significance.

NM_004181.5(UCHL1):c.70G>C (p.Gly24Arg)

Gene: UCHL1 (ubiquitin C-terminal hydrolase L1; plus strand). Cytogenetic location: 4p13.
Variant type: single nucleotide variant.
Coding change: c.70G>C on transcript NM_004181.5 (MANE Select); coding-DNA position 70, G replaced by C.
Protein change: p.Gly24Arg; replaces glycine 24 with arginine.
Molecular consequence: missense variant.
Genome position (GRCh38, 1-based): chr4:41,257,633, G>C. VCF-style: chr4-41257633-G-C. GRCh37 (hg19) VCF-style: chr4-41259650-G-C.
Other names: p.Gly24Arg; short protein forms G24R.
Identifiers: ClinVar variation 2765584 (VCV002765584.4), dbSNP rs2551922142, ClinGen allele CA356731615.